The following is an entry in ClinVar:

ClinVar aggregate classification (germline): Conflicting classifications of pathogenicity. Review status: criteria provided, conflicting classifications (1 of 4 stars). 3 submissions from 3 submitters: Likely pathogenic (2); Uncertain significance (1). Last evaluated 2025-12-03.

Conditions:
Alagille syndrome due to a JAG1 point mutation. Also called: JAG1-Related Alagille Syndrome; Alagille Syndrome 1; HEPATIC DUCTULAR HYPOPLASIA, SYNDROMATIC. Identifiers: Orphanet 261619, Orphanet 52, MedGen C1956125, MONDO:0016862, OMIM 118450.

Allele frequency attached by ClinVar (database versions not stated): gnomAD exomes below 0.00001.
gnomAD v4.1: 2 of 1,614,036 alleles (0.00012%); highest among the groups gnomAD compares: Non-Finnish European, 0.00017%; no homozygotes.

Submissions (4):

GeneDx
Classification: Uncertain significance. Last evaluated: 2025-12-03. Review status: criteria provided, single submitter. Criteria: GeneDx Variant Classification Process June 2021. Collection method: clinical testing. Allele origin: germline. Affected: yes.
Comment: Published functional studies suggest this variant may cause misfolding of the protein, however additional studies are needed to validate the functional effect of this variant (PMID: 19780835); Not observed at significant frequency in large population cohorts (gnomAD); In silico analysis supports that this missense variant has a deleterious effect on protein structure/function; This variant is associated with the following publications: (PMID: 12649809, 39043182, 19780835, 11152664)

CeGaT Center for Human Genetics Tuebingen
Classification: Likely pathogenic. Last evaluated: 2023-05-01. Review status: criteria provided, single submitter. Criteria: CeGaT Center For Human Genetics Tuebingen Variant Classification Criteria Version 2. Collection method: clinical testing. Allele origin: germline. Affected: yes. Observed: 1 variant allele.
Comment: JAG1: PM2, PM5, PP2, PS3:Supporting

Labcorp Genetics (formerly Invitae), Labcorp
Classification: Likely pathogenic for Alagille syndrome due to a JAG1 point mutation. Last evaluated: 2021-09-21. Review status: criteria provided, single submitter. Criteria: Invitae Variant Classification Sherloc (09022015). Collection method: clinical testing. Allele origin: germline.
Comment: This sequence change replaces glycine with serine at codon 274 of the JAG1 protein (p.Gly274Ser). The glycine residue is highly conserved and there is a small physicochemical difference between glycine and serine. This variant is not present in population databases (ExAC no frequency). This variant has not been reported in the literature in individuals affected with JAG1-related conditions. Advanced modeling of protein sequence and biophysical properties (such as structural, functional, and spatial information, amino acid conservation, physicochemical variation, residue mobility, and thermodynamic stability) performed at Invitae indicates that this missense variant is expected to disrupt JAG1 protein function. Experimental studies have shown that this missense change affects JAG1 protein function (PMID: 19780835). Algorithms developed to predict the effect of sequence changes on RNA splicing suggest that this variant may create or strengthen a splice site. This variant disrupts the p.Gly274 amino acid residue in JAG1. Other variant(s) that disrupt this residue have been determined to be pathogenic (PMID: 11152664, 12649809, 19780835). This suggests that this residue is clinically significant, and that variants that disrupt this residue are likely to be disease-causing. In summary, the currently available evidence indicates that the variant is pathogenic, but additional data are needed to prove that conclusively. Therefore, this variant has been classified as Likely Pathogenic.

Gilbert/Spinner Lab, Children's Hospital of Philadelphia
No classification provided (evidence only). Condition: Alagille syndrome. Review status: no classification provided. Collection method: research. Allele origin: not applicable. Functional consequence: functionally_abnormal. Not counted in ClinVar's aggregate classification.
ClinVar note: "not provided" was previously submitted as the classification for the variant. However, the classification appeared to be based only on an observation of functional data so it was converted to no classification on 2025-07-30.

Literature cited by the submitters: PubMed 19780835 (cited by Labcorp Genetics (formerly Invitae), Labcorp); PubMed 11152664 (cited by Labcorp Genetics (formerly Invitae), Labcorp); PubMed 12649809 (cited by Labcorp Genetics (formerly Invitae), Labcorp).

NM_000214.3(JAG1):c.820G>A (p.Gly274Ser)

Gene: JAG1 (jagged canonical Notch ligand 1; minus strand). Cytogenetic location: 20p12.2.
Variant type: single nucleotide variant.
Coding change: c.820G>A on transcript NM_000214.3 (MANE Select); coding-DNA position 820, G replaced by A.
Protein change: p.Gly274Ser; replaces glycine 274 with serine.
Molecular consequence: missense variant.
Genome position (GRCh38, 1-based): chr20:10,652,534, C>T on the plus strand (G>A on the coding strand, the complement: JAG1 is on the minus strand). VCF-style: chr20-10652534-C-T. GRCh37 (hg19) VCF-style: chr20-10633182-C-T.
Other names: short protein forms G274S.
Identifiers: ClinVar variation 1465235 (VCV001465235.36), dbSNP rs2122615095, ClinGen allele CA408239344.